The following is an entry in ClinVar:

NM_001329.4(CTBP2):c.58+12133C>T

Gene: CTBP2 (C-terminal binding protein 2; minus strand). Cytogenetic location: 10q26.13.
Variant type: single nucleotide variant.
Coding change: c.58+12133C>T on transcript NM_001329.4 (MANE Select); 12133 bases into the intron after coding-DNA position 58, C replaced by T.
Molecular consequence: intron variant. On other transcripts: missense variant (1).
Genome position (GRCh38, 1-based): chr10:125,026,864, G>A on the plus strand (C>T on the coding strand, the complement: CTBP2 is on the minus strand). VCF-style: chr10-125026864-G-A. GRCh37 (hg19) VCF-style: chr10-126715433-G-A.
Other names: c.896C>T, p.Ala299Val (NM_022802.3); c.58+12133C>T (NM_001083914.3, NM_001290214.3, NM_001321012.2 and 3 more transcripts); short protein forms A299V.
Identifiers: ClinVar variation 4982137 (VCV004982137.1).
Genomic context (GRCh38, chr10:125,026,864, plus strand): 5'-GCCGGGGAGTCAAAGCCCTGCTGCAGTAGGGCTCCCAGCGTGGCCTCTGCCAGCCCCTCC[G>A]CCCGCAGAAAGGCCAGGAACTCAGGGAGCACGGTCCTCTTGCCACCAGGACCCTGGAAGG-3'

ClinVar aggregate classification (germline): Likely benign (1 of 4 stars; one submission).

Conditions:
CTBP2-related disorder. Also called: CTBP2-related condition.

gnomAD v4.1: 741 of 1,613,786 alleles (0.046%); highest among the groups gnomAD compares: South Asian, 0.054%; 2 homozygotes.

Submission:

PreventionGenetics, part of Exact Sciences
Classification: Likely benign for CTBP2-related condition. Last evaluated: 2025-07-08. Review status: criteria provided, single submitter. Criteria: ACMG Guidelines, 2015. Collection method: clinical testing. Allele origin: germline.
Comment: This variant is classified as likely benign based on ACMG/AMP sequence variant interpretation guidelines (Richards et al. 2015 PMID: 25741868, with internal and published modifications).